The following is an entry in ClinVar:

ClinVar aggregate classification (germline): Uncertain significance. Review status: criteria provided, multiple submitters, no conflicts (2 of 4 stars). 3 submissions from 3 submitters: Uncertain significance (3). Last evaluated 2025-08-31.

Conditions:
Cardiovascular phenotype. Identifiers: MedGen CN230736.
Hereditary cancer-predisposing syndrome. Also called: Hereditary Cancer Syndrome; Tumor predisposition; Neoplastic Syndromes, Hereditary; Hereditary neoplastic syndrome. Identifiers: Orphanet 140162, MedGen C0027672, MeSH D009386, MONDO:0015356.
Neurofibromatosis, type 1 (NF1). Also called: VON RECKLINGHAUSEN DISEASE; Neurofibromatosis, type I; NEUROFIBROMATOSIS, TYPE I, SOMATIC; Peripheral type neurofibromatosis. Identifiers: Orphanet 636, MedGen C0027831, MONDO:0018975, OMIM 162200. Disease mechanism: loss of function.

Allele frequency attached by ClinVar (database versions not stated): gnomAD exomes below 0.00001; ESP Exome Variant Server 0.00008.
gnomAD v4.1: 1 of 1,613,754 alleles (0.000062%); highest among the groups gnomAD compares: Admixed American, 0.0017%; no homozygotes.

Submissions (3):

Ambry Genetics
Classification: Uncertain significance for Cardiovascular phenotype; Hereditary cancer-predisposing syndrome. Last evaluated: 2025-08-31. Review status: criteria provided, single submitter. Criteria: Ambry Variant Classification Scheme 2023. Collection method: clinical testing. Allele origin: germline.
Comment: The p.I460T variant (also known as c.1379T>C), located in coding exon 12 of the NF1 gene, results from a T to C substitution at nucleotide position 1379. The isoleucine at codon 460 is replaced by threonine, an amino acid with similar properties. This amino acid position is not well conserved in available vertebrate species. In addition, the in silico prediction for this alteration is inconclusive. Since supporting evidence is limited at this time, the clinical significance of this alteration remains unclear.

Labcorp Genetics (formerly Invitae), Labcorp
Classification: Uncertain significance for Neurofibromatosis, type 1. Last evaluated: 2024-11-13. Review status: criteria provided, single submitter. Criteria: Invitae Variant Classification Sherloc (09022015). Collection method: clinical testing. Allele origin: germline.
Comment: This sequence change replaces isoleucine, which is neutral and non-polar, with threonine, which is neutral and polar, at codon 460 of the NF1 protein (p.Ile460Thr). This variant is present in population databases (rs147417054, gnomAD 0.003%). This variant has not been reported in the literature in individuals affected with NF1-related conditions. ClinVar contains an entry for this variant (Variation ID: 648920). Invitae Evidence Modeling of protein sequence and biophysical properties (such as structural, functional, and spatial information, amino acid conservation, physicochemical variation, residue mobility, and thermodynamic stability) indicates that this missense variant is not expected to disrupt NF1 protein function with a negative predictive value of 95%. In summary, the available evidence is currently insufficient to determine the role of this variant in disease. Therefore, it has been classified as a Variant of Uncertain Significance.

Genome-Nilou Lab
Classification: Uncertain significance for Neurofibromatosis, type 1. Last evaluated: 2022-03-15. Review status: criteria provided, single submitter. Criteria: ACMG Guidelines, 2015. Collection method: clinical testing. Allele origin: germline. Affected: no.

NM_001042492.3(NF1):c.1379T>C (p.Ile460Thr)

Gene: NF1 (neurofibromin 1; plus strand). Cytogenetic location: 17q11.2.
Variant type: single nucleotide variant.
Coding change: c.1379T>C on transcript NM_001042492.3 (MANE Select); coding-DNA position 1379, T replaced by C.
Protein change: p.Ile460Thr; replaces isoleucine 460 with threonine.
Molecular consequence: missense variant.
Genome position (GRCh38, 1-based): chr17:31,206,358, T>C. VCF-style: chr17-31206358-T-C. GRCh37 (hg19) VCF-style: chr17-29533376-T-C.
Other names: c.1379T>C, p.Ile460Thr (NM_000267.4, NM_001128147.3); short protein forms I460T.
Identifiers: ClinVar variation 648920 (VCV000648920.14), dbSNP rs147417054, ClinGen allele CA289352356.